The following is an entry in ClinVar:

NM_001035.3(RYR2):c.3067-15T>C

Gene: RYR2 (ryanodine receptor 2; plus strand). Cytogenetic location: 1q43.
Variant type: single nucleotide variant.
Coding change: c.3067-15T>C on transcript NM_001035.3 (MANE Select); 15 bases into the intron before coding-DNA position 3067, T replaced by C.
Molecular consequence: intron variant.
Genome position (GRCh38, 1-based): chr1:237,550,529, T>C. VCF-style: chr1-237550529-T-C. GRCh37 (hg19) VCF-style: chr1-237713829-T-C.
Other names: c.3067-15T>C (LRG_402t1).
Identifiers: ClinVar variation 386223 (VCV000386223.13), dbSNP rs185110433, ClinGen allele CA086282.
Genomic context (GRCh38, chr1:237,550,529, plus strand): 5'-GATGTATTTGGTAGCTACTTATTTCTAAAAGCCCTTGGTATTGCTTTGACGGCTGCACCC[T>C]GTGTTTTCCTGCAGGACGTAAAGAACAGAAGAAATCCTCGCCTTGTTCCCTACACTCTTC-3'

ClinVar aggregate classification (germline): Benign/Likely benign. Review status: criteria provided, multiple submitters, no conflicts (2 of 4 stars). 4 submissions from 4 submitters: Benign (2); Likely benign (2). Last evaluated 2026-01-21.

Conditions:
Catecholaminergic polymorphic ventricular tachycardia 1. Also called: RYR2-Related Catecholaminergic Polymorphic Ventricular Tachycardia; VENTRICULAR TACHYCARDIA, CATECHOLAMINERGIC POLYMORPHIC, 1, WITH OR WITHOUT ATRIAL DYSFUNCTION AND/OR DILATED CARDIOMYOPATHY; VENTRICULAR TACHYCARDIA, STRESS-INDUCED POLYMORPHIC 1. Identifiers: Orphanet 3286, MedGen C1631597, MONDO:0011484, OMIM 604772.
Cardiomyopathy (CMYO). Also called: Cardiomyopathies. Identifiers: Orphanet 167848, MedGen C0878544, MONDO:0004994, HP:0001638. Inheritance: Various modes of inheritance.

Allele frequency attached by ClinVar (database versions not stated): TOPMed 0.00005; gnomAD 0.00013; gnomAD exomes 0.00013 and 0.00030; 1000 Genomes Project 30x 0.00016; 1000 Genomes Project 0.00020; ExAC 0.00036.
gnomAD v4.1: 86 of 1,606,514 alleles (0.0054%); highest among the groups gnomAD compares: Admixed American, 0.14%; no homozygotes.

Submissions (4):

Labcorp Genetics (formerly Invitae), Labcorp
Classification: Benign for Catecholaminergic polymorphic ventricular tachycardia 1. Last evaluated: 2026-01-21. Review status: criteria provided, single submitter. Criteria: Invitae Variant Classification Sherloc (09022015). Collection method: clinical testing. Allele origin: germline.

Women's Health and Genetics/Laboratory Corporation of America, LabCorp
Classification: Benign. Last evaluated: 2022-10-22. Review status: criteria provided, single submitter. Criteria: LabCorp Variant Classification Summary - May 2015. Collection method: clinical testing. Allele origin: germline.

Color Diagnostics, LLC DBA Color Health
Classification: Likely benign for Cardiomyopathy. Last evaluated: 2018-06-11. Review status: criteria provided, single submitter. Criteria: ACMG Guidelines, 2015. Collection method: clinical testing. Allele origin: germline.

GeneDx
Classification: Likely benign. Last evaluated: 2017-02-06. Review status: criteria provided, single submitter. Criteria: GeneDx Variant Classification (06012015). Collection method: clinical testing. Allele origin: germline. Affected: yes.
Comment: This variant is considered likely benign or benign based on one or more of the following criteria: it is a conservative change, it occurs at a poorly conserved position in the protein, it is predicted to be benign by multiple in silico algorithms, and/or has population frequency not consistent with disease.